The following is an entry in ClinVar:

NM_004415.4(DSP):c.6494C>T (p.Pro2165Leu)

Gene: DSP (desmoplakin; plus strand). Cytogenetic location: 6p24.3.
Variant type: single nucleotide variant.
Coding change: c.6494C>T on transcript NM_004415.4 (MANE Select); coding-DNA position 6494, C replaced by T.
Protein change: p.Pro2165Leu; replaces proline 2165 with leucine.
Molecular consequence: missense variant.
Genome position (GRCh38, 1-based): chr6:7,583,756, C>T. VCF-style: chr6-7583756-C-T. GRCh37 (hg19) VCF-style: chr6-7583989-C-T.
Other names: c.4697C>T, p.Pro1566Leu (NM_001008844.3); c.5165C>T, p.Pro1722Leu (NM_001319034.2); short protein forms P1722L, P1566L, P2165L.
Identifiers: ClinVar variation 927854 (VCV000927854.13), dbSNP rs1759535966, ClinGen allele CA362690912.
Genomic context (GRCh38, chr6:7,583,756, plus strand): 5'-AAGATGTCGCCTTGGCCCGGGGGCTGATTGATAGAGATTTGTATCGATCCCTGAATGATC[C>T]CCGAGATAGTCAGAAAAACTTTGTGGATCCAGTCACCAAAAAGAAGGTCAGTTACGTGCA-3'
Protein context (NP_004406.2, residues 2155-2175): DRDLYRSLND[Pro2165Leu]RDSQKNFVDP

ClinVar aggregate classification (germline): Uncertain significance. Review status: criteria provided, multiple submitters, no conflicts (2 of 4 stars). 4 submissions from 4 submitters: Uncertain significance (4). Last evaluated 2025-09-11.

Conditions:
Arrhythmogenic cardiomyopathy with wooly hair and keratoderma. Also called: PALMOPLANTAR KERATODERMA WITH LEFT VENTRICULAR CARDIOMYOPATHY AND WOOLLY HAIR; Carvajal syndrome; Dilated cardiomyopathy with woolly hair and keratoderma; Arrhythmogenic cardiomyopathy with woolly hair and keratoderma. Identifiers: Orphanet 65282, MedGen C1854063, MONDO:0011581, OMIM 605676.
Arrhythmogenic right ventricular dysplasia 8 (ARVD8). Also called: ARRHYTHMOGENIC RIGHT VENTRICULAR DYSPLASIA, FAMILIAL, 8; Arrhythmogenic Right Ventricular Dysplasia/Cardiomyopathy 8; ARRHYTHMOGENIC RIGHT VENTRICULAR CARDIOMYOPATHY 8. Identifiers: MedGen C1843896, MONDO:0011831, OMIM 607450.
Cardiomyopathy (CMYO). Also called: Cardiomyopathies. Identifiers: Orphanet 167848, MedGen C0878544, MONDO:0004994, HP:0001638. Inheritance: Various modes of inheritance.
Cardiovascular phenotype. Identifiers: MedGen CN230736.

Allele frequency attached by ClinVar (database versions not stated): TOPMed below 0.00001.

Submissions (4):

Labcorp Genetics (formerly Invitae), Labcorp
Classification: Uncertain significance for Arrhythmogenic cardiomyopathy with wooly hair and keratoderma; Arrhythmogenic right ventricular dysplasia 8. Last evaluated: 2025-09-11. Review status: criteria provided, single submitter. Criteria: Invitae Variant Classification Sherloc (09022015). Collection method: clinical testing. Allele origin: germline.
Comment: This sequence change replaces proline, which is neutral and non-polar, with leucine, which is neutral and non-polar, at codon 2165 of the DSP protein (p.Pro2165Leu). This variant is not present in population databases (gnomAD no frequency). This variant has not been reported in the literature in individuals affected with DSP-related conditions. ClinVar contains an entry for this variant (Variation ID: 927854). An algorithm developed to predict the effect of missense changes on protein structure and function (PolyPhen-2) suggests that this variant is likely to be disruptive. In summary, the available evidence is currently insufficient to determine the role of this variant in disease. Therefore, it has been classified as a Variant of Uncertain Significance.

Ambry Genetics
Classification: Uncertain significance for Cardiovascular phenotype. Last evaluated: 2025-06-23. Review status: criteria provided, single submitter. Criteria: Ambry Variant Classification Scheme 2023. Collection method: clinical testing. Allele origin: germline.
Comment: The p.P2165L variant (also known as c.6494C>T), located in coding exon 24 of the DSP gene, results from a C to T substitution at nucleotide position 6494. The proline at codon 2165 is replaced by leucine, an amino acid with similar properties. This amino acid position is conserved. In addition, this alteration is predicted to be tolerated by in silico analysis. Based on the available evidence, the clinical significance of this variant remains unclear.

Color Diagnostics, LLC DBA Color Health
Classification: Uncertain significance for Cardiomyopathy. Last evaluated: 2023-12-04. Review status: criteria provided, single submitter. Criteria: ACMG Guidelines, 2015. Collection method: clinical testing. Allele origin: germline.
Comment: Variant of Uncertain Significance due to insufficient evidence: This missense variant is located in the C-terminal plakin repeat domain A of the DSP protein. Computational prediction tools and conservation analyses are inconclusive regarding the impact of this variant on the protein function. Computational splicing tools suggest that this variant may not impact RNA splicing. To our knowledge, functional assays have not been performed for this variant nor has this variant been reported in individuals affected with cardiovascular disorders in the literature. This variant is rare in the general population and has been identified in 0/277264 chromosomes by the Genome Aggregation Database (gnomAD). Available evidence is insufficient to determine the pathogenicity of this variant conclusively.

GeneDx
Classification: Uncertain significance. Last evaluated: 2020-01-10. Review status: criteria provided, single submitter. Criteria: GeneDx Variant Classification Process June 2021. Collection method: clinical testing. Allele origin: germline. Affected: yes.
Comment: Has not been previously published as pathogenic or benign to our knowledge; Not observed in large population cohorts (Lek et al., 2016); In silico analysis, which includes protein predictors and evolutionary conservation, supports a deleterious effect